The following is an entry in ClinVar:

NM_007294.4(BRCA1):c.1966A>T (p.Asn656Tyr)

Gene: BRCA1 (BRCA1 DNA repair associated; minus strand). Cytogenetic location: 17q21.31.
Variant type: single nucleotide variant.
Coding change: c.1966A>T on transcript NM_007294.4 (MANE Select); coding-DNA position 1966, A replaced by T.
Protein change: p.Asn656Tyr; replaces asparagine 656 with tyrosine.
Molecular consequence: missense variant. On other transcripts: intron variant (137).
Genome position (GRCh38, 1-based): chr17:43,093,565, T>A on the plus strand (A>T on the coding strand, the complement: BRCA1 is on the minus strand). VCF-style: chr17-43093565-T-A. GRCh37 (hg19) VCF-style: chr17-41245582-T-A.
Other names: c.1822A>T, p.Asn608Tyr (NM_001407841.1, NM_001407842.1, NM_001407843.1 and 20 more transcripts); c.1825A>T, p.Asn609Tyr (NM_001407850.1, NM_001407851.1, NM_001407852.1 and 29 more transcripts); c.1963A>T, p.Asn655Tyr (NM_001407860.1, NM_001407861.1, NM_001407587.1 and 22 more transcripts); c.1765A>T, p.Asn589Tyr (NM_001407862.1); c.1966A>T, p.Asn656Tyr (NM_001407854.1, NM_001407858.1, NM_001407859.1 and 30 more transcripts); c.1753A>T, p.Asn585Tyr (NM_001407853.1, NM_001407894.1, NM_001407895.1 and 9 more transcripts); c.1843A>T, p.Asn615Tyr (NM_001407863.1, NM_001407919.1, NM_001407648.1 and 19 more transcripts); c.1762A>T, p.Asn588Tyr (NM_001407874.1, NM_001407875.1); and 40 more; short protein forms N656Y, N609Y, N567Y, N586Y, N588Y, N630Y, N360Y, N488Y.
Identifiers: ClinVar variation 559977 (VCV000559977.5), dbSNP rs786203455, ClinGen allele CA10598085.

ClinVar aggregate classification (germline): Conflicting classifications of pathogenicity. Review status: criteria provided, conflicting classifications (1 of 4 stars). 3 submissions from 3 submitters: Uncertain significance (1); Likely benign (1). 1 of the submissions does not count toward it. Last evaluated 2024-12-23.

Conditions:
Hereditary cancer-predisposing syndrome. Also called: Hereditary neoplastic syndrome; Neoplastic Syndromes, Hereditary; Tumor predisposition; Hereditary Cancer Syndrome. Identifiers: Orphanet 140162, MedGen C0027672, MeSH D009386, MONDO:0015356.
Breast neoplasm. Also called: Neoplasm of the breast; Neoplasm of breast; Breast tumor; Breast Neoplasms. Identifiers: MedGen C1458155, MeSH D001943, MONDO:0021100, HP:0100013. Disease mechanism: gain of function.

Submissions (3):

Color Diagnostics, LLC DBA Color Health
Classification: Uncertain significance for Hereditary cancer-predisposing syndrome. Last evaluated: 2024-12-23. Review status: criteria provided, single submitter. Criteria: ACMG Guidelines, 2015. Collection method: clinical testing. Allele origin: germline.
Comment: This missense variant replaces asparagine with tyrosine at codon 656 of the BRCA1 protein. Computational prediction suggests that this variant may not impact protein structure and function. To our knowledge, functional studies have not been reported for this variant. This variant has been reported in an individual affected with ovarian cancer who also has a pathogenic BRCA1 variant, c.1465G>T (p.Glu4889*) (PMID: 32211327). This variant has not been identified in the general population by the Genome Aggregation Database (gnomAD). Although there is a suspicion that this variant may not be associated with disease, additional studies are necessary to determine the role of this variant in disease conclusively. Therefore, this variant is classified as a Variant of Uncertain Significance.

University of Washington Department of Laboratory Medicine, University of Washington
Classification: Likely benign for Hereditary cancer-predisposing syndrome. Last evaluated: 2023-03-23. Review status: criteria provided, single submitter. Criteria: Dines et al. (Genet Med. 2020). Collection method: curation. Allele origin: germline.
Comment: Missense variant in a coldspot region where missense variants are very unlikely to be pathogenic (PMID:31911673).

BRCA1 coldspot (exon 11 using historical exon numbering). Reclassification based on statistical prior probability

3DMed Clinical Laboratory Inc
Classification: Uncertain significance for Neoplasm of the breast. Last evaluated: 2017-07-20. Review status: no assertion criteria provided. Criteria: ACMG Guidelines, 2015. Collection method: clinical testing. Allele origin: germline. Affected: yes. Not counted in ClinVar's aggregate classification.

Literature cited by the submitters: PubMed 32211327 (cited by Color Diagnostics, LLC DBA Color Health).